The following is an entry in ClinVar:

NM_000321.3(RB1):c.1247dup (p.Lys417fs)

Gene: RB1 (RB transcriptional corepressor 1; plus strand). Cytogenetic location: 13q14.2.
Variant type: Duplication.
Coding change: c.1247dup on transcript NM_000321.3 (MANE Select); coding-DNA position 1247, one base duplicated (T; older notation c.1247dupT).
Protein change: p.Lys417fs; shifts the reading frame from lysine 417.
Molecular consequence: frameshift variant.
Genome position (GRCh38, 1-based): chr13:48,376,949, T duplicated. VCF-style (leftmost placement, unchanged base first): chr13-48376948-C-CT. GRCh37 (hg19) VCF-style: chr13-48951084-C-CT.
Other names: c.1247dupT (NM_000321.2); c.1247dup, p.Lys417fs (NM_001407165.1, NM_001407166.1); short protein forms K417fs.
Identifiers: ClinVar variation 4543753 (VCV004543753.1).

ClinVar aggregate classification (germline): Pathogenic (1 of 4 stars; one submission).

Conditions:
Hereditary cancer-predisposing syndrome. Also called: Tumor predisposition; Hereditary Cancer Syndrome; Hereditary neoplastic syndrome; Neoplastic Syndromes, Hereditary. Identifiers: Orphanet 140162, MedGen C0027672, MeSH D009386, MONDO:0015356.

Submission:

Ambry Genetics
Classification: Pathogenic for Hereditary cancer-predisposing syndrome. Last evaluated: 2025-09-15. Review status: criteria provided, single submitter. Criteria: Ambry Variant Classification Scheme 2023. Collection method: clinical testing. Allele origin: germline.
Comment: The c.1247dupT pathogenic mutation, located in coding exon 13 of the RB1 gene, results from a duplication of T at nucleotide position 1247, causing a translational frameshift with a predicted alternate stop codon (p.K417Efs*11). This variant was reported in individual(s) with features consistent with hereditary retinoblastoma (Ambry internal data). This variant is considered to be rare based on population cohorts in the Genome Aggregation Database (gnomAD). This alteration is expected to result in loss of function by premature protein truncation or nonsense-mediated mRNA decay. As such, this alteration is interpreted as a disease-causing mutation.